The following is an entry in ClinVar:

ClinVar aggregate classification (germline): Uncertain significance (1 of 4 stars; one submission).

Conditions:
Deficiency of 2-methylbutyryl-CoA dehydrogenase (ACADSB). Also called: 2-methylbutyrylglycinuria; 2-methylbutyryl-CoA dehydrogenase deficiency; SBCAD deficiency; 2-methylbutyric aciduria; Short branched-chain acyl-CoA dehydrogenase deficiency. Identifiers: Orphanet 79157, MedGen C1864912, MONDO:0012392, OMIM 610006, HP:0020147.

Submission:

Labcorp Genetics (formerly Invitae), Labcorp
Classification: Uncertain significance for Deficiency of 2-methylbutyryl-CoA dehydrogenase. Last evaluated: 2021-12-28. Review status: criteria provided, single submitter. Criteria: Invitae Variant Classification Sherloc (09022015). Collection method: clinical testing. Allele origin: germline.
Comment: This sequence change replaces alanine, which is neutral and non-polar, with threonine, which is neutral and polar, at codon 345 of the ACADSB protein (p.Ala345Thr). This variant is not present in population databases (gnomAD no frequency). In summary, the available evidence is currently insufficient to determine the role of this variant in disease. Therefore, it has been classified as a Variant of Uncertain Significance. Algorithms developed to predict the effect of missense changes on protein structure and function are either unavailable or do not agree on the potential impact of this missense change (SIFT: "Deleterious"; PolyPhen-2: "Possibly Damaging"; Align-GVGD: "Class C0"). This variant has not been reported in the literature in individuals affected with ACADSB-related conditions.

NM_001609.4(ACADSB):c.1033G>A (p.Ala345Thr)

Gene: ACADSB (acyl-CoA dehydrogenase short/branched chain; plus strand). Cytogenetic location: 10q26.13.
Variant type: single nucleotide variant.
Coding change: c.1033G>A on transcript NM_001609.4 (MANE Select); coding-DNA position 1033, G replaced by A.
Protein change: p.Ala345Thr; replaces alanine 345 with threonine.
Molecular consequence: missense variant.
Genome position (GRCh38, 1-based): chr10:123,051,091, G>A. VCF-style: chr10-123051091-G-A. GRCh37 (hg19) VCF-style: chr10-124810607-G-A.
Other names: c.727G>A, p.Ala243Thr (NM_001330174.3); short protein forms A345T, A243T.
Identifiers: ClinVar variation 2062077 (VCV002062077.4), dbSNP rs2133493250, ClinGen allele CA378621895.